The following is an entry in ClinVar:

NM_006765.4(TUSC3):c.798G>A (p.Val266=)

Gene: TUSC3 (tumor suppressor candidate 3; plus strand). Cytogenetic location: 8p22.
Variant type: single nucleotide variant.
Coding change: c.798G>A on transcript NM_006765.4 (MANE Select); coding-DNA position 798, G replaced by A.
Protein change: p.Val266=; no amino-acid change (valine 266 retained).
Molecular consequence: synonymous variant. On other transcripts: non-coding transcript variant (5).
Genome position (GRCh38, 1-based): chr8:15,673,836, G>A. VCF-style: chr8-15673836-G-A. GRCh37 (hg19) VCF-style: chr8-15531345-G-A.
Other names: c.798G>A, p.Val266= (NM_001356429.2, NM_001413583.1, NM_001413673.1 and 16 more transcripts); c.630G>A, p.Val210= (NM_001413669.1, NM_001413671.1, NM_001413672.1); c.738G>A, p.Val246= (NM_001413670.1); c.366G>A, p.Val122= (NM_001413677.1); c.411G>A, p.Val137= (NM_001413678.1); c.792G>A, p.Val264= (NM_001413690.1).
Identifiers: ClinVar variation 1761500 (VCV001761500.2), dbSNP rs1808064855, ClinGen allele CA459824913.

ClinVar aggregate classification (germline): Uncertain significance (1 of 4 stars; one submission).

Conditions:
Inborn genetic diseases. Identifiers: MedGen C0950123, MeSH D030342.

Allele frequency attached by ClinVar (database versions not stated): gnomAD 0.00001.
gnomAD v4.1: 2 of 1,610,162 alleles (0.00012%); highest among the groups gnomAD compares: African/African-American, 0.0013%; no homozygotes.

Submission:

Ambry Genetics
Classification: Uncertain significance for Inborn genetic diseases. Last evaluated: 2018-04-10. Review status: criteria provided, single submitter. Criteria: Ambry Variant Classification Scheme 2023. Collection method: clinical testing. Allele origin: germline.
Comment: The c.798G>A variant (also known as p.V266V), located in coding exon 6 of the TUSC3 gene, results from a G to A substitution at nucleotide position 798. This nucleotide substitution does not change the at codon 266. However, this change occurs in the last base pair of coding exon 6, which makes it likely to have some effect on normal mRNA splicing. This nucleotide position is highly conserved in available vertebrate species. Using two different splice site prediction tools, this alteration is predicted by ESEfinder to weaken the efficiency of the native splice donor site, but is not predicted to have a deleterious effect on this splice donor site by BDGP; however, direct evidence is unavailable. Since supporting evidence is limited at this time, the clinical significance of this alteration remains unclear.